The following is an entry in ClinVar:

NM_001364905.1(LRBA):c.2735_2749del (p.Trp912_Leu916del)

Gene: LRBA (LPS responsive beige-like anchor protein; minus strand). Cytogenetic location: 4q31.3.
Variant type: Deletion.
Coding change: c.2735_2749del on transcript NM_001364905.1 (MANE Select); coding-DNA positions 2735 to 2749, 15 bases deleted (GGGTAGACACTTTAT).
Protein change: p.Trp912_Leu916del.
Molecular consequence: inframe deletion.
Genome position (GRCh38, 1-based): chr4:150,867,688-150,867,702, ATAAAGTGTCTACCC deleted on the plus strand (GGGTAGACACTTTAT on the coding strand, the reverse complement: LRBA is on the minus strand); deleting any 15 consecutive bases within chr4:150,867,688-150,867,705 gives the same sequence; the c. name uses the placement nearest the transcript's 3' end. VCF-style (leftmost placement, unchanged base first): chr4-150867687-GATAAAGTGTCTACCC-G. GRCh37 (hg19) VCF-style: chr4-151788839-GATAAAGTGTCTACCC-G.
Other names: c.2735_2749del, p.Trp912_Leu916del (NM_001199282.3, NM_001367550.1, NM_001440430.1 and 2 more transcripts).
Identifiers: ClinVar variation 4725691 (VCV004725691.1).

ClinVar aggregate classification (germline): Uncertain significance (1 of 4 stars; one submission).

Conditions:
Combined immunodeficiency due to LRBA deficiency. Also called: Common variable immunodeficiency 8, with autoimmunity. Identifiers: Orphanet 445018, MedGen C3553512, MONDO:0013863, OMIM 614700.

Submission:

Labcorp Genetics (formerly Invitae), Labcorp
Classification: Uncertain significance for Combined immunodeficiency due to LRBA deficiency. Last evaluated: 2025-08-19. Review status: criteria provided, single submitter. Criteria: Invitae Variant Classification Sherloc (09022015). Collection method: clinical testing. Allele origin: germline.
Comment: This variant, c.2735_2749del, results in the deletion of 5 amino acid(s) of the LRBA protein (p.Trp912_Leu916del), but otherwise preserves the integrity of the reading frame. This variant is not present in population databases (gnomAD no frequency). This variant has not been reported in the literature in individuals affected with LRBA-related conditions. Experimental studies and prediction algorithms are not available or were not evaluated, and the functional significance of this variant is currently unknown. In summary, the available evidence is currently insufficient to determine the role of this variant in disease. Therefore, it has been classified as a Variant of Uncertain Significance.